The following is an entry in ClinVar:

ClinVar aggregate classification (germline): Uncertain significance (1 of 4 stars; one submission).

Conditions:
MAP1B-related disorder. Also called: MAP1B-related condition.

Submission:

PreventionGenetics, part of Exact Sciences
Classification: Uncertain significance for MAP1B-related condition. Last evaluated: 2026-05-01. Review status: criteria provided, single submitter. Criteria: ACMG Guidelines, 2015. Collection method: clinical testing. Allele origin: germline.
Comment: The MAP1B c.4493_4495delGAG variant is predicted to result in an in-frame deletion (p.Gly1498del). To our knowledge, this variant has not been reported in the literature. This variant is reported in 0.0029% of alleles in individuals of Latino descent in gnomAD. At this time, the clinical significance of this variant is uncertain due to the absence of conclusive functional and genetic evidence.

NM_005909.5(MAP1B):c.4493_4495del (p.Gly1498del)

Gene: MAP1B (microtubule associated protein 1B; plus strand). Cytogenetic location: 5q13.2.
Variant type: Deletion.
Coding change: c.4493_4495del on transcript NM_005909.5 (MANE Select); coding-DNA positions 4493 to 4495, 3 bases deleted (GAG; older notation c.4493_4495delGAG).
Protein change: p.Gly1498del; deletes glycine 1498.
Molecular consequence: inframe deletion.
Genome position (GRCh38, 1-based): chr5:72,197,848-72,197,850, GAG deleted; deleting any 3 consecutive bases within chr5:72,197,846-72,197,850 gives the same sequence; the c. name uses the placement nearest the transcript's 3' end. VCF-style (leftmost placement, unchanged base first): chr5-72197845-TAGG-T. GRCh37 (hg19) VCF-style: chr5-71493672-TAGG-T.
Other names: c.4115_4117del, p.Gly1372del (NM_001324255.2); short protein forms G1498del, G1372del.
Identifiers: ClinVar variation 4989313 (VCV004989313.1).